The following is an entry in ClinVar:

ClinVar aggregate classification (germline): Uncertain significance (1 of 4 stars; one submission).

Allele frequency attached by ClinVar (database versions not stated): TOPMed below 0.00001.

Submission:

GeneDx
Classification: Uncertain significance. Last evaluated: 2025-01-02. Review status: criteria provided, single submitter. Criteria: GeneDx Variant Classification Process June 2021. Collection method: clinical testing. Allele origin: germline. Affected: yes.
Comment: Not observed at significant frequency in large population cohorts (gnomAD); In silico analysis supports that this missense variant has a deleterious effect on protein structure/function; Has not been previously published as pathogenic or benign to our knowledge

NM_138295.5(PKD1L1):c.2450T>A (p.Leu817His)

Gene: PKD1L1 (polycystin 1 like 1, transient receptor potential channel interacting; minus strand). Cytogenetic location: 7p12.3.
Variant type: single nucleotide variant.
Coding change: c.2450T>A on transcript NM_138295.5 (MANE Select); coding-DNA position 2450, T replaced by A.
Protein change: p.Leu817His; replaces leucine 817 with histidine.
Molecular consequence: missense variant.
Genome position (GRCh38, 1-based): chr7:47,893,881, A>T on the plus strand (T>A on the coding strand, the complement: PKD1L1 is on the minus strand). VCF-style: chr7-47893881-A-T. GRCh37 (hg19) VCF-style: chr7-47933478-A-T.
Other names: short protein forms L817H.
Identifiers: ClinVar variation 2507247 (VCV002507247.4), dbSNP rs1786877785, ClinGen allele CA367487042.